The following is an entry in ClinVar:

NM_004551.3(NDUFS3):c.36C>T (p.Arg12=)

Gene: NDUFS3 (NADH:ubiquinone oxidoreductase core subunit S3; plus strand). Cytogenetic location: 11p11.2.
Variant type: single nucleotide variant.
Coding change: c.36C>T on transcript NM_004551.3 (MANE Select); coding-DNA position 36, C replaced by T.
Protein change: p.Arg12=; no amino-acid change (arginine 12 retained).
Molecular consequence: synonymous variant.
Genome position (GRCh38, 1-based): chr11:47,579,127, C>T. VCF-style: chr11-47579127-C-T. GRCh37 (hg19) VCF-style: chr11-47600679-C-T.
Identifiers: ClinVar variation 4875435 (VCV004875435.2).
Genomic context (GRCh38, chr11:47,579,127, plus strand): 5'-GCTGCCTAGTCTGCATCTGAGTAACATGGCGGCGGCGGCGGTAGCCAGGCTGTGGTGGCG[C>T]GGGATCTTGGGGGCCTCGGCGCTGACCAGGGGTGAGCACGGGCAGCCAGCTGAGACCGGG-3'
Protein context (NP_004542.1, residues 2-22): AAAAVARLWW[Arg12=]GILGASALTR

ClinVar aggregate classification (germline): Likely benign (1 of 4 stars; one submission).

gnomAD v4.1: 11 of 1,594,292 alleles (0.00069%); highest among the groups gnomAD compares: South Asian, 0.0067%; no homozygotes.

Submission:

CeGaT Center for Human Genetics Tuebingen
Classification: Likely benign. Last evaluated: 2026-06-01. Review status: criteria provided, single submitter. Criteria: CeGaT Center For Human Genetics Tuebingen Variant Classification Criteria Version 2. Collection method: clinical testing. Allele origin: germline. Affected: yes. Observed: 1 variant allele.
Comment: NDUFS3: BP4, BP7